The following is an entry in ClinVar:

ClinVar aggregate classification (germline): Uncertain significance (1 of 4 stars; one submission).

Conditions:
Familial cancer of breast. Also called: Hereditary breast cancer; hereditary breast carcinoma; BREAST CANCER, FAMILIAL. Identifiers: Orphanet 227535, MedGen C0346153, MONDO:0016419, OMIM 114480. Disease mechanism: loss of function.
Fanconi anemia complementation group J. Also called: BRIP1-Related Fanconi Anemia. Identifiers: Orphanet 84, MedGen C1836860, MONDO:0012187, OMIM 609054.

Submission:

Labcorp Genetics (formerly Invitae), Labcorp
Classification: Uncertain significance for Familial cancer of breast; Fanconi anemia complementation group J. Last evaluated: 2019-04-28. Review status: criteria provided, single submitter. Criteria: Invitae Variant Classification Sherloc (09022015). Collection method: clinical testing. Allele origin: germline.
Comment: This sequence change replaces leucine with histidine at codon 892 of the BRIP1 protein (p.Leu892His). The leucine residue is weakly conserved and there is a moderate physicochemical difference between leucine and histidine. This variant is not present in population databases (ExAC no frequency). This variant has not been reported in the literature in individuals with BRIP1-related conditions. Algorithms developed to predict the effect of missense changes on protein structure and function are either unavailable or do not agree on the potential impact of this missense change (SIFT: "Tolerated"; PolyPhen-2: "Possibly Damaging"; Align-GVGD: "Class C0"). In summary, the available evidence is currently insufficient to determine the role of this variant in disease. Therefore, it has been classified as a Variant of Uncertain Significance.

NM_032043.3(BRIP1):c.2675T>A (p.Leu892His)

Gene: BRIP1 (BRCA1 interacting DNA helicase 1; minus strand). Cytogenetic location: 17q23.2.
Variant type: single nucleotide variant.
Coding change: c.2675T>A on transcript NM_032043.3 (MANE Select); coding-DNA position 2675, T replaced by A.
Protein change: p.Leu892His; replaces leucine 892 with histidine.
Molecular consequence: missense variant.
Genome position (GRCh38, 1-based): chr17:61,686,066, A>T on the plus strand (T>A on the coding strand, the complement: BRIP1 is on the minus strand). VCF-style: chr17-61686066-A-T. GRCh37 (hg19) VCF-style: chr17-59763427-A-T.
Other names: short protein forms L892H.
Identifiers: ClinVar variation 949558 (VCV000949558.10), dbSNP rs2061358811, ClinGen allele CA400481804.